The following is an entry in ClinVar:

ClinVar aggregate classification (germline): Uncertain significance (1 of 4 stars; one submission).

Submission:

Labcorp Genetics (formerly Invitae), Labcorp
Classification: Uncertain significance. Last evaluated: 2022-02-23. Review status: criteria provided, single submitter. Criteria: Invitae Variant Classification Sherloc (09022015). Collection method: clinical testing. Allele origin: germline.
Comment: In summary, the available evidence is currently insufficient to determine the role of this variant in disease. Therefore, it has been classified as a Variant of Uncertain Significance. Algorithms developed to predict the effect of missense changes on protein structure and function are either unavailable or do not agree on the potential impact of this missense change (SIFT: "Deleterious"; PolyPhen-2: "Benign"; Align-GVGD: "Class C15"). This variant has not been reported in the literature in individuals affected with TBC1D32-related conditions. This variant is not present in population databases (gnomAD no frequency). This sequence change replaces aspartic acid, which is acidic and polar, with glycine, which is neutral and non-polar, at codon 915 of the TBC1D32 protein (p.Asp915Gly).

NM_152730.6(TBC1D32):c.2744A>G (p.Asp915Gly)

Gene: TBC1D32 (TBC1 domain family member 32; minus strand). Cytogenetic location: 6q22.31.
Variant type: single nucleotide variant.
Coding change: c.2744A>G on transcript NM_152730.6 (MANE Select); coding-DNA position 2744, A replaced by G.
Protein change: p.Asp915Gly; replaces aspartic acid 915 with glycine.
Molecular consequence: missense variant. On other transcripts: non-coding transcript variant (1).
Genome position (GRCh38, 1-based): chr6:121,160,039, T>C on the plus strand (A>G on the coding strand, the complement: TBC1D32 is on the minus strand). VCF-style: chr6-121160039-T-C. GRCh37 (hg19) VCF-style: chr6-121481185-T-C.
Other names: c.2867A>G, p.Asp956Gly (NM_001367759.1, NM_001367760.1); short protein forms D915G, D956G.
Identifiers: ClinVar variation 1937603 (VCV001937603.5), dbSNP rs1785414360, ClinGen allele CA365468373.